The following is an entry in ClinVar:

NM_000093.5(COL5A1):c.4122+4A>C

Gene: COL5A1 (collagen type V alpha 1 chain; plus strand). Cytogenetic location: 9q34.3.
Variant type: single nucleotide variant.
Coding change: c.4122+4A>C on transcript NM_000093.5 (MANE Select); 4 bases into the intron after coding-DNA position 4122, A replaced by C.
Molecular consequence: intron variant.
Genome position (GRCh38, 1-based): chr9:134,815,992, A>C. VCF-style: chr9-134815992-A-C. GRCh37 (hg19) VCF-style: chr9-137707838-A-C.
Other names: c.4122+4A>C (NM_001278074.1).
Identifiers: ClinVar variation 2706685 (VCV002706685.3), dbSNP rs1838730428, ClinGen allele CA2697558214.
Genomic context (GRCh38, chr9:134,815,992, plus strand): 5'-TAGGGTCAAGATGGTCCCCCTGGTGACAAAGGAGATGATGGTGAACCCGGGCAGACGGTG[A>C]GTCCACAATCTGGGCTGGCTTCCTGGTGGAGGTGTCAGTGTATTCTTGGGACCTTGCAGC-3'

ClinVar aggregate classification (germline): Uncertain significance (1 of 4 stars; one submission).

Conditions:
Ehlers-Danlos syndrome, classic type, 1 (EDSCL1). Also called: EHLERS-DANLOS SYNDROME, GRAVIS TYPE; EHLERS-DANLOS SYNDROME, SEVERE CLASSIC TYPE; Ehlers-Danlos syndrome, type 1; Ehlers-Danlos Syndrome, Classic Type, COL5A1-Related; EDS I. Identifiers: MedGen C0268335, MONDO:0019567, OMIM 130000.

Submission:

Labcorp Genetics (formerly Invitae), Labcorp
Classification: Uncertain significance for Ehlers-Danlos syndrome, classic type, 1. Last evaluated: 2023-12-30. Review status: criteria provided, single submitter. Criteria: Invitae Variant Classification Sherloc (09022015). Collection method: clinical testing. Allele origin: germline.
Comment: This sequence change falls in intron 52 of the COL5A1 gene. It does not directly change the encoded amino acid sequence of the COL5A1 protein. It affects a nucleotide within the consensus splice site. This variant is not present in population databases (gnomAD no frequency). This variant has not been reported in the literature in individuals affected with COL5A1-related conditions. Variants that disrupt the consensus splice site are a relatively common cause of aberrant splicing (PMID: 17576681, 9536098). Algorithms developed to predict the effect of sequence changes on RNA splicing suggest that this variant may disrupt the consensus splice site. In summary, the available evidence is currently insufficient to determine the role of this variant in disease. Therefore, it has been classified as a Variant of Uncertain Significance.

Literature cited by the submitters: PubMed 17576681; PubMed 9536098.